The following is an entry in ClinVar:

ClinVar aggregate classification (germline): Uncertain significance (1 of 4 stars; one submission).

Allele frequency attached by ClinVar (database versions not stated): gnomAD exomes below 0.00001.
gnomAD v4.1: 2 of 1,614,242 alleles (0.00012%); highest among the groups gnomAD compares: Non-Finnish European, 0.00017%; no homozygotes.

Submission:

GeneDx
Classification: Uncertain significance. Last evaluated: 2022-11-16. Review status: criteria provided, single submitter. Criteria: GeneDx Variant Classification Process June 2021. Collection method: clinical testing. Allele origin: germline. Affected: yes.
Comment: Not observed at significant frequency in large population cohorts (gnomAD); In silico analysis supports that this missense variant does not alter protein structure/function; Has not been previously published as pathogenic or benign to our knowledge; Also known as p.(N826H)

NM_001243133.2(NLRP3):c.2476A>C (p.Asn826His)

Gene: NLRP3 (NLR family pyrin domain containing 3; plus strand). Cytogenetic location: 1q44.
Variant type: single nucleotide variant.
Coding change: c.2476A>C on transcript NM_001243133.2 (MANE Select); coding-DNA position 2476, A replaced by C.
Protein change: p.Asn826His; replaces asparagine 826 with histidine.
Molecular consequence: missense variant.
Genome position (GRCh38, 1-based): chr1:247,434,257, A>C. VCF-style: chr1-247434257-A-C. GRCh37 (hg19) VCF-style: chr1-247597559-A-C.
Other names: c.2476A>C, p.Asn826His (NM_001079821.3, NM_001127461.3); c.2305A>C, p.Asn769His (NM_001127462.3, NM_183395.3); c.2482A>C, p.Asn828His (NM_004895.5); short protein forms N769H, N826H, N828H.
Identifiers: ClinVar variation 2502680 (VCV002502680.1), dbSNP rs1663619844, ClinGen allele CA345561419.